The following is an entry in ClinVar:

NM_007194.4(CHEK2):c.1341_1342insTGT (p.Phe447_Ile448insCys)

Gene: CHEK2 (checkpoint kinase 2; minus strand). Cytogenetic location: 22q12.1.
Variant type: Insertion.
Coding change: c.1341_1342insTGT on transcript NM_007194.4 (MANE Select); coding-DNA positions 1341 to 1342, TGT inserted.
Protein change: p.Phe447_Ile448insCys.
Molecular consequence: inframe insertion. On other transcripts: inframe indel (4).
Genome position: GRCh38 VCF-style: chr22-28695160-T-TACA. GRCh37 (hg19) VCF-style: chr22-29091148-T-TACA.
Other names: c.1470_1471insTGT, p.Phe490_Ile491insCys (NM_001005735.3); c.678_679insTGT, p.Phe226_Ile227insCys (NM_001257387.3); c.1140_1141insTGT, p.Phe380_Ile381insCys (NM_001349956.3); c.1254_1255insTGT, p.Phe418_Ile419insCys (NM_145862.3).
Identifiers: ClinVar variation 3266949 (VCV003266949.1).
Genomic context (GRCh38, chr22:28,695,160, plus strand): 5'-AAATTCTTAACCCTTTCATATTCATACCTTTCTCTGAGACTTCTGCCCAGACTTCAGGAA[T>TACA]GAAGTTGTATTTTCCACTGGTGATCTGATCCTTCAGTGACACTTGAGTCCTATGCTCAGA-3'

ClinVar aggregate classification (germline): Uncertain significance (1 of 4 stars; one submission).

Conditions:
Hereditary cancer-predisposing syndrome. Also called: Hereditary Cancer Syndrome; Tumor predisposition; Hereditary neoplastic syndrome; Neoplastic Syndromes, Hereditary. Identifiers: Orphanet 140162, MedGen C0027672, MeSH D009386, MONDO:0015356.

Submission:

Ambry Genetics
Classification: Uncertain significance for Hereditary cancer-predisposing syndrome. Last evaluated: 2024-04-10. Review status: criteria provided, single submitter. Criteria: Ambry Variant Classification Scheme 2023. Collection method: clinical testing. Allele origin: germline.
Comment: The c.1341_1342insTGT variant (also known as p.F447_I448insC), located in coding exon 11 of the CHEK2 gene, results from an in-frame TGT insertion at nucleotide positions 1341 to 1342. This results in the insertion of an extra cysteine residue between codons 447 and 448. This amino acid region is well conserved in available vertebrate species. In addition, this alteration is predicted to be deleterious by in silico analysis (Choi Y et al. PLoS ONE. 2012; 7(10):e46688). Based on the available evidence, the clinical significance of this variant remains unclear.